The following is an entry in ClinVar:

ClinVar aggregate classification (germline): Uncertain significance. Review status: criteria provided, multiple submitters, no conflicts (2 of 4 stars). 4 submissions from 4 submitters: Uncertain significance (4). Last evaluated 2026-01-09.

Conditions:
Hereditary cancer-predisposing syndrome. Also called: Hereditary Cancer Syndrome; Neoplastic Syndromes, Hereditary; Tumor predisposition; Hereditary neoplastic syndrome. Identifiers: Orphanet 140162, MedGen C0027672, MeSH D009386, MONDO:0015356.
Ataxia-telangiectasia syndrome (AT). Also called: Cerebello-oculocutaneous telangiectasia; Immunodeficiency with ataxia telangiectasia; Ataxia-telangiectasia, complementation group E; Ataxia-telangiectasia, complementation group D; AT, COMPLEMENTATION GROUP C; ATAXIA-TELANGIECTASIA, COMPLEMENTATION GROUP A. Identifiers: Orphanet 100, MedGen C0004135, MONDO:0008840, OMIM 208900.

Allele frequency attached by ClinVar (database versions not stated): gnomAD exomes below 0.00001.
gnomAD v4.1: 1 of 1,601,898 alleles (0.000062%); highest among the groups gnomAD compares: Admixed American, 0.0017%; no homozygotes.

Submissions (4):

Labcorp Genetics (formerly Invitae), Labcorp
Classification: Uncertain significance for Ataxia-telangiectasia syndrome. Last evaluated: 2026-01-09. Review status: criteria provided, single submitter. Criteria: Invitae Variant Classification Sherloc (09022015). Collection method: clinical testing. Allele origin: germline.
Comment: This sequence change replaces phenylalanine, which is neutral and non-polar, with cysteine, which is neutral and slightly polar, at codon 2265 of the ATM protein (p.Phe2265Cys). This variant is present in population databases (no rsID available, gnomAD 0.003%). This variant has not been reported in the literature in individuals affected with ATM-related conditions. ClinVar contains an entry for this variant (Variation ID: 524408). Invitae Evidence Modeling of protein sequence and biophysical properties (such as structural, functional, and spatial information, amino acid conservation, physicochemical variation, residue mobility, and thermodynamic stability) indicates that this missense variant is not expected to disrupt ATM protein function with a negative predictive value of 95%. In summary, the available evidence is currently insufficient to determine the role of this variant in disease. Therefore, it has been classified as a Variant of Uncertain Significance.

Quest Diagnostics Nichols Institute San Juan Capistrano
Classification: Uncertain significance. Last evaluated: 2024-12-02. Review status: criteria provided, single submitter. Criteria: Quest Diagnostics criteria. Collection method: clinical testing. Allele origin: unknown.

Color Diagnostics, LLC DBA Color Health
Classification: Uncertain significance for Hereditary cancer-predisposing syndrome. Last evaluated: 2024-03-06. Review status: criteria provided, single submitter. Criteria: ACMG Guidelines, 2015. Collection method: clinical testing. Allele origin: germline.
Comment: This missense variant replaces phenylalanine with cysteine at codon 2265 of the ATM protein. Computational prediction suggests that this variant may not impact protein structure and function (internally defined REVEL score threshold <= 0.5, PMID: 27666373). To our knowledge, functional studies have not been reported for this variant. This variant has not been reported in individuals affected with hereditary cancer in the literature. This variant has been identified in 1/247644 chromosomes in the general population by the Genome Aggregation Database (gnomAD). The available evidence is insufficient to determine the role of this variant in disease conclusively. Therefore, this variant is classified as a Variant of Uncertain Significance.

Ambry Genetics
Classification: Uncertain significance for Hereditary cancer-predisposing syndrome. Last evaluated: 2017-12-04. Review status: criteria provided, single submitter. Criteria: Ambry Variant Classification Scheme 2023. Collection method: clinical testing. Allele origin: germline.
Comment: The p.F2265C variant (also known as c.6794T>G), located in coding exon 45 of the ATM gene, results from a T to G substitution at nucleotide position 6794. The phenylalanine at codon 2265 is replaced by cysteine, an amino acid with highly dissimilar properties. This amino acid position is not well conserved in available vertebrate species. In addition, this alteration is predicted to be tolerated by in silico analysis. Since supporting evidence is limited at this time, the clinical significance of this alteration remains unclear.

NM_000051.4(ATM):c.6794T>G (p.Phe2265Cys)

Genes: C11orf65 (chromosome 11 open reading frame 65; minus strand), ATM (ATM serine/threonine kinase; plus strand). Cytogenetic location: 11q22.3.
Variant type: single nucleotide variant.
Coding change: c.6794T>G on transcript NM_000051.4 (MANE Select); coding-DNA position 6794, T replaced by G.
Protein change: p.Phe2265Cys; replaces phenylalanine 2265 with cysteine.
Molecular consequence: missense variant. On other transcripts: intron variant (2).
Genome position (GRCh38, 1-based): chr11:108,325,531, T>G. VCF-style: chr11-108325531-T-G. GRCh37 (hg19) VCF-style: chr11-108196258-T-G.
Other names: c.6794T>G, p.Phe2265Cys (NM_001351834.2); c.641-16460A>C (NM_001330368.2); c.*38+9689A>C (NM_001351110.2); short protein forms F2265C.
Identifiers: ClinVar variation 524408 (VCV000524408.15), dbSNP rs1179172483, ClinGen allele CA382555541.